The following is an entry in ClinVar:

ClinVar aggregate classification (germline): Uncertain significance. Review status: criteria provided, multiple submitters, no conflicts (2 of 4 stars). 3 submissions from 3 submitters: Uncertain significance (3). Last evaluated 2023-11-26.

Conditions:
Hypertrophic cardiomyopathy 1 (CMH1). Also called: Familial hypertrophic cardiomyopathy 1; MYH7-Related Familial Hypertrophic Cardiomyopathy. Identifiers: MedGen C3495498, MONDO:0008647, OMIM 192600.

gnomAD v4.1: 6 of 1,614,142 alleles (0.00037%); highest among the groups gnomAD compares: South Asian, 0.0011%; no homozygotes.

Submissions (3):

Ambry Genetics
Classification: Uncertain significance. Last evaluated: 2023-11-26. Review status: criteria provided, single submitter. Criteria: Ambry Variant Classification Scheme 2023. Collection method: clinical testing. Allele origin: germline.
Comment: The p.E380K variant (also known as c.1138G>A), located in coding exon 7 of the MYLK2 gene, results from a G to A substitution at nucleotide position 1138. The glutamic acid at codon 380 is replaced by lysine, an amino acid with similar properties. This amino acid position is conserved. In addition, this alteration is predicted to be deleterious by in silico analysis. Since supporting evidence is limited at this time, the clinical significance of this alteration remains unclear.

GeneDx
Classification: Uncertain significance. Last evaluated: 2022-05-10. Review status: criteria provided, single submitter. Criteria: GeneDx Variant Classification Process June 2021. Collection method: clinical testing. Allele origin: germline. Affected: yes.
Comment: Has not been previously published as pathogenic or benign to our knowledge; In silico analysis, which includes protein predictors and evolutionary conservation, supports a deleterious effect; Not observed at significant frequency in large population cohorts (gnomAD)

Labcorp Genetics (formerly Invitae), Labcorp
Classification: Uncertain significance for Hypertrophic cardiomyopathy 1. Last evaluated: 2020-07-08. Review status: criteria provided, single submitter. Criteria: Invitae Variant Classification Sherloc (09022015). Collection method: clinical testing. Allele origin: germline.
Comment: This sequence change replaces glutamic acid with lysine at codon 380 of the MYLK2 protein (p.Glu380Lys). The glutamic acid residue is highly conserved and there is a small physicochemical difference between glutamic acid and lysine. This variant is not present in population databases (ExAC no frequency). This variant has not been reported in the literature in individuals with MYLK2-related conditions. Algorithms developed to predict the effect of missense changes on protein structure and function are either unavailable or do not agree on the potential impact of this missense change (SIFT: "Deleterious"; PolyPhen-2: "Probably Damaging"; Align-GVGD: "Class C0"). In summary, the available evidence is currently insufficient to determine the role of this variant in disease. Therefore, it has been classified as a Variant of Uncertain Significance.

NM_033118.4(MYLK2):c.1138G>A (p.Glu380Lys)

Gene: MYLK2 (myosin light chain kinase 2; plus strand). Cytogenetic location: 20q11.21.
Variant type: single nucleotide variant.
Coding change: c.1138G>A on transcript NM_033118.4 (MANE Select); coding-DNA position 1138, G replaced by A.
Protein change: p.Glu380Lys; replaces glutamic acid 380 with lysine.
Molecular consequence: missense variant.
Genome position (GRCh38, 1-based): chr20:31,826,852, G>A. VCF-style: chr20-31826852-G-A. GRCh37 (hg19) VCF-style: chr20-30414655-G-A.
Other names: short protein forms E380K.
Identifiers: ClinVar variation 1001512 (VCV001001512.14), dbSNP rs1174826293, ClinGen allele CA408527186.